The following is an entry in ClinVar:

NM_002230.4(JUP):c.-8-66C>T

Gene: JUP (junction plakoglobin; minus strand). Cytogenetic location: 17q21.2.
Variant type: single nucleotide variant.
Coding change: c.-8-66C>T on transcript NM_002230.4 (MANE Select); 66 bases into the intron before 8 bases upstream of the start codon, C replaced by T.
Molecular consequence: intron variant.
Genome position (GRCh38, 1-based): chr17:41,771,928, G>A on the plus strand (C>T on the coding strand, the complement: JUP is on the minus strand). VCF-style: chr17-41771928-G-A. GRCh37 (hg19) VCF-style: chr17-39928180-G-A.
Other names: c.-5-69C>T (NM_001352774.2, NM_001352775.2); c.-8-66C>T (NM_021991.4, NM_001352776.2, NM_001352773.2 and 1 more transcripts).
Identifiers: ClinVar variation 673320 (VCV000673320.2), dbSNP rs77327994, ClinGen allele CA290701428.

ClinVar aggregate classification (germline): Likely benign. Review status: criteria provided, multiple submitters, no conflicts (2 of 4 stars). 2 submissions from 2 submitters: Likely benign (2). Last evaluated 2018-06-19.

Allele frequency attached by ClinVar (database versions not stated): 1000 Genomes Project 30x 0.00828; 1000 Genomes Project 0.00879; TOPMed 0.01422; gnomAD 0.01668 and 0.01744.
gnomAD v4.1: 25,025 of 1,324,322 alleles (1.9%); highest among the groups gnomAD compares: Non-Finnish European, 2.1%; 300 homozygotes.

Submissions (2):

GeneDx
Classification: Likely benign. Last evaluated: 2018-06-19. Review status: criteria provided, single submitter. Criteria: GeneDx Variant Classification (06012015). Collection method: clinical testing. Allele origin: germline. Affected: yes.
Comment: This variant is considered likely benign or benign based on one or more of the following criteria: it is a conservative change, it occurs at a poorly conserved position in the protein, it is predicted to be benign by multiple in silico algorithms, and/or has population frequency not consistent with disease.

Breakthrough Genomics
Classification: Likely benign. Review status: criteria provided, single submitter. Criteria: ACMG Guidelines, 2015. Collection method: not provided. Allele origin: germline. Inheritance: Autosomal recessive inheritance. Affected: yes.